The following is an entry in ClinVar:

ClinVar aggregate classification (germline): Likely pathogenic (1 of 4 stars; one submission).

Conditions:
Inborn genetic diseases. Identifiers: MedGen C0950123, MeSH D030342.

Submission:

Ambry Genetics
Classification: Likely pathogenic for Inborn genetic diseases. Last evaluated: 2022-02-11. Review status: criteria provided, single submitter. Criteria: Ambry Variant Classification Scheme 2023. Collection method: clinical testing. Allele origin: germline.
Comment: The c.2852G>A (p.G951E) alteration is located in exon 42 (coding exon 42) of the COL2A1 gene. This alteration results from a G to A substitution at nucleotide position 2852, causing the glycine (G) at amino acid position 951 to be replaced by a glutamic acid (E). This variant was not reported in population-based cohorts in the Genome Aggregation Database (gnomAD). This amino acid position is highly conserved in available vertebrate species. The p.G951 amino acid is located within the triple-helical domain of the collagen II chain, and affects one of the highly conserved glycine residues in the Gly-X-Y motif that make up this domain (Barat-Houari, 2015; Zhang, 2020). This alteration is predicted to be deleterious by in silico analysis. Based on the available evidence, this alteration is classified as likely pathogenic.

Literature cited by the submitters: PubMed 26626311; PubMed 31758797.

NM_001844.5(COL2A1):c.2852G>A (p.Gly951Glu)

Gene: COL2A1 (collagen type II alpha 1 chain; minus strand). Cytogenetic location: 12q13.11.
Variant type: single nucleotide variant.
Coding change: c.2852G>A on transcript NM_001844.5 (MANE Select); coding-DNA position 2852, G replaced by A.
Protein change: p.Gly951Glu; replaces glycine 951 with glutamic acid.
Molecular consequence: missense variant.
Genome position (GRCh38, 1-based): chr12:47,978,640, C>T on the plus strand (G>A on the coding strand, the complement: COL2A1 is on the minus strand). VCF-style: chr12-47978640-C-T. GRCh37 (hg19) VCF-style: chr12-48372423-C-T.
Other names: c.2645G>A, p.Gly882Glu (NM_033150.3); short protein forms G882E, G951E.
Identifiers: ClinVar variation 2271412 (VCV002271412.2), dbSNP rs2540113244, ClinGen allele CA384541985.